The following is an entry in ClinVar:

NM_000465.4(BARD1):c.2192G>A (p.Arg731His)

Gene: BARD1 (BRCA1 associated RING domain 1; minus strand). Cytogenetic location: 2q35.
Variant type: single nucleotide variant.
Coding change: c.2192G>A on transcript NM_000465.4 (MANE Select); coding-DNA position 2192, G replaced by A.
Protein change: p.Arg731His; replaces arginine 731 with histidine.
Molecular consequence: missense variant. On other transcripts: non-coding transcript variant (3).
Genome position (GRCh38, 1-based): chr2:214,728,818, C>T on the plus strand (G>A on the coding strand, the complement: BARD1 is on the minus strand). VCF-style: chr2-214728818-C-T. GRCh37 (hg19) VCF-style: chr2-215593542-C-T.
Other names: c.2135G>A, p.Arg712His (NM_001282543.2); c.839G>A, p.Arg280His (NM_001282545.2); c.782G>A, p.Arg261His (NM_001282548.2); c.653G>A, p.Arg218His (NM_001282549.2); short protein forms R731H, R218H, R261H, R280H, R712H.
Identifiers: ClinVar variation 142119 (VCV000142119.24), dbSNP rs587782248, ClinGen allele CA167457.

ClinVar aggregate classification (germline): Conflicting classifications of pathogenicity. Review status: criteria provided, conflicting classifications (1 of 4 stars). 7 submissions from 7 submitters: Uncertain significance (6); Likely benign (1). Last evaluated 2026-01-28.

Conditions:
Hereditary cancer-predisposing syndrome. Also called: Neoplastic Syndromes, Hereditary; Hereditary Cancer Syndrome; Tumor predisposition; Hereditary neoplastic syndrome. Identifiers: Orphanet 140162, MedGen C0027672, MeSH D009386, MONDO:0015356.
Familial cancer of breast. Also called: Hereditary breast cancer; BREAST CANCER, FAMILIAL; hereditary breast carcinoma. Identifiers: Orphanet 227535, MedGen C0346153, MONDO:0016419, OMIM 114480. Disease mechanism: loss of function.

Allele frequency attached by ClinVar (database versions not stated): gnomAD exomes below 0.00001 and 0.00001; TOPMed below 0.00001; ExAC 0.00001.
gnomAD v4.1: 8 of 1,614,196 alleles (0.0005%); highest among the groups gnomAD compares: South Asian, 0.0044%; no homozygotes.

Submissions (7):

Catlab - Consorci Sanitari de Terrassa
Classification: Uncertain significance for Hereditary cancer-predisposing syndrome. Last evaluated: 2026-01-28. Review status: criteria provided, single submitter. Criteria: ACMG Guidelines, 2015. Collection method: clinical testing. Allele origin: germline.
Comment: Based on the currently available information, this variant is classified as Uncertain Significance according to Richards 2015 guidelines. ACMG criteria: BP4_mod.

Color Diagnostics, LLC DBA Color Health
Classification: Uncertain significance for Hereditary cancer-predisposing syndrome. Last evaluated: 2025-11-06. Review status: criteria provided, single submitter. Criteria: ACMG Guidelines, 2015. Collection method: clinical testing. Allele origin: germline.
Comment: This missense variant replaces arginine with histidine at codon 731 of the BARD1 protein. Computational prediction suggests that this variant may not impact protein structure and function. A functional study has reported that cells expressing this variant protein have similar homology-directed repair activity compared with that expressing the wild-type protein (PMID: 30925164). To our knowledge, this variant has not been reported in individuals affected with hereditary cancer in the literature. This variant has been identified in 1/251336 chromosomes in the general population by the Genome Aggregation Database (gnomAD). The available evidence is insufficient to determine the role of this variant in disease conclusively. Therefore, this variant is classified as a Variant of Uncertain Significance.

Labcorp Genetics (formerly Invitae), Labcorp
Classification: Uncertain significance for Familial cancer of breast. Last evaluated: 2025-03-10. Review status: criteria provided, single submitter. Criteria: Invitae Variant Classification Sherloc (09022015). Collection method: clinical testing. Allele origin: germline.
Comment: This sequence change replaces arginine, which is basic and polar, with histidine, which is basic and polar, at codon 731 of the BARD1 protein (p.Arg731His). This variant is present in population databases (rs587782248, gnomAD 0.007%). This missense change has been observed in individual(s) with glioblastoma (GBM) (PMID: 30925164). ClinVar contains an entry for this variant (Variation ID: 142119). An algorithm developed to predict the effect of missense changes on protein structure and function outputs the following: PolyPhen-2: "Benign". The histidine amino acid residue is found in multiple mammalian species, which suggests that this missense change does not adversely affect protein function. Experimental studies have shown that this missense change does not substantially affect BARD1 function (PMID: 30925164). In summary, the available evidence is currently insufficient to determine the role of this variant in disease. Therefore, it has been classified as a Variant of Uncertain Significance.

GeneDx
Classification: Uncertain significance. Last evaluated: 2023-07-26. Review status: criteria provided, single submitter. Criteria: GeneDx Variant Classification Process June 2021. Collection method: clinical testing. Allele origin: germline. Affected: yes.
Comment: Not observed at significant frequency in large population cohorts (gnomAD); In silico analysis supports that this missense variant does not alter protein structure/function; Identified in an individual with glioblastoma (Adamovich et al., 2019); Published functional studies demonstrate discrepant results: homology-directed repair activity similar to wildtype per one study (Adamovich et al., 2019), but response to DNA damage similar to loss-of-function positive controls in a high-throughput assay (Cuella-Martin et al., 2021); This variant is associated with the following publications: (PMID: 30925164, 17550235, 33606978)

Baylor Genetics
Classification: Uncertain significance for Familial cancer of breast. Last evaluated: 2023-07-20. Review status: criteria provided, single submitter. Criteria: ACMG Guidelines, 2015. Collection method: clinical testing. Allele origin: unknown.

Ambry Genetics
Classification: Likely benign for Hereditary cancer-predisposing syndrome. Last evaluated: 2021-07-13. Review status: criteria provided, single submitter. Criteria: Ambry Variant Classification Scheme 2023. Collection method: clinical testing. Allele origin: germline.

Mendelics
Classification: Uncertain significance for Familial cancer of breast. Last evaluated: 2019-05-28. Review status: criteria provided, single submitter. Criteria: Mendelics Assertion Criteria 2017. Collection method: clinical testing. Allele origin: unknown.

Literature cited by the submitters: PubMed 30925164 (cited by 3 submitters).